The following is an entry in ClinVar:

ClinVar aggregate classification (germline): Conflicting classifications of pathogenicity. Review status: criteria provided, conflicting classifications (1 of 4 stars). 2 submissions from 2 submitters: Likely pathogenic (1); Uncertain significance (1). Last evaluated 2025-07-30.

Conditions:
Niemann-Pick disease, type C1. Also called: NEUROVISCERAL STORAGE DISEASE WITH VERTICAL SUPRANUCLEAR OPHTHALMOPLEGIA; NIEMANN-PICK DISEASE WITH CHOLESTEROL ESTERIFICATION BLOCK; NIEMANN-PICK DISEASE WITHOUT SPHINGOMYELINASE DEFICIENCY; NIEMANN-PICK DISEASE, CHRONIC NEURONOPATHIC FORM; NIEMANN-PICK DISEASE, VARIANT TYPE C1. Identifiers: Orphanet 646, MedGen C3179455, MONDO:0009757, OMIM 257220.

Submissions (2):

Women's Health and Genetics/Laboratory Corporation of America, LabCorp
Classification: Uncertain significance. Last evaluated: 2025-07-30. Review status: criteria provided, single submitter. Criteria: LabCorp Variant Classification Summary - May 2015. Collection method: clinical testing. Allele origin: germline.
Comment: Variant summary: NPC1 c.3572T>C (p.Leu1191Pro) results in a non-conservative amino acid change in the encoded protein sequence. Algorithms developed to predict the effect of missense changes on protein structure and function all suggest that this variant is likely to be disruptive. The variant was absent in 250876 control chromosomes. The available data on variant occurrences in the general population are insufficient to allow any conclusion about variant significance. To our knowledge, no occurrence of c.3572T>C in individuals affected with Niemann-Pick Disease Type C and no experimental evidence demonstrating its impact on protein function have been reported. ClinVar contains an entry for this variant (Variation ID: 2885670). Based on the evidence outlined above, the variant was classified as uncertain significance.

Labcorp Genetics (formerly Invitae), Labcorp
Classification: Likely pathogenic for Niemann-Pick disease, type C1. Last evaluated: 2023-12-21. Review status: criteria provided, single submitter. Criteria: Invitae Variant Classification Sherloc (09022015). Collection method: clinical testing. Allele origin: germline.
Comment: This sequence change replaces leucine, which is neutral and non-polar, with proline, which is neutral and non-polar, at codon 1191 of the NPC1 protein (p.Leu1191Pro). This variant is not present in population databases (gnomAD no frequency). This variant has not been reported in the literature in individuals affected with NPC1-related conditions. Advanced modeling of protein sequence and biophysical properties (such as structural, functional, and spatial information, amino acid conservation, physicochemical variation, residue mobility, and thermodynamic stability) performed at Invitae indicates that this missense variant is expected to disrupt NPC1 protein function with a positive predictive value of 95%. This variant disrupts the p.Leu1191 amino acid residue in NPC1. Other variant(s) that disrupt this residue have been determined to be pathogenic (PMID: 19252935, 23430855). This suggests that this residue is clinically significant, and that variants that disrupt this residue are likely to be disease-causing. In summary, the currently available evidence indicates that the variant is pathogenic, but additional data are needed to prove that conclusively. Therefore, this variant has been classified as Likely Pathogenic.

Literature cited by the submitters: PubMed 19252935 (cited by Labcorp Genetics (formerly Invitae), Labcorp); PubMed 23430855 (cited by Labcorp Genetics (formerly Invitae), Labcorp).

NM_000271.5(NPC1):c.3572T>C (p.Leu1191Pro)

Gene: NPC1 (NPC intracellular cholesterol transporter 1; minus strand). Cytogenetic location: 18q11.2.
Variant type: single nucleotide variant.
Coding change: c.3572T>C on transcript NM_000271.5 (MANE Select); coding-DNA position 3572, T replaced by C.
Protein change: p.Leu1191Pro; replaces leucine 1191 with proline.
Molecular consequence: missense variant.
Genome position (GRCh38, 1-based): chr18:23,534,465, A>G on the plus strand (T>C on the coding strand, the complement: NPC1 is on the minus strand). VCF-style: chr18-23534465-A-G. GRCh37 (hg19) VCF-style: chr18-21114429-A-G.
Other names: short protein forms L1191P.
Identifiers: ClinVar variation 2885670 (VCV002885670.5), dbSNP rs2511183411, ClinGen allele CA401790901.